The following is an entry in ClinVar:

NM_001042681.2(RERE):c.3095C>T (p.Pro1032Leu)

Gene: RERE (arginine-glutamic acid dipeptide repeats; minus strand). Cytogenetic location: 1p36.23.
Variant type: single nucleotide variant.
Coding change: c.3095C>T on transcript NM_001042681.2 (MANE Select); coding-DNA position 3095, C replaced by T.
Protein change: p.Pro1032Leu; replaces proline 1032 with leucine.
Molecular consequence: missense variant.
Genome position (GRCh38, 1-based): chr1:8,360,412, G>A on the plus strand (C>T on the coding strand, the complement: RERE is on the minus strand). VCF-style: chr1-8360412-G-A. GRCh37 (hg19) VCF-style: chr1-8420472-G-A.
Other names: c.1433C>T, p.Pro478Leu (NM_001042682.2); c.3095C>T, p.Pro1032Leu (NM_012102.4); short protein forms P1032L, P478L.
Identifiers: ClinVar variation 3048623 (VCV003048623.2), dbSNP rs1479474517, ClinGen allele CA338171275.

ClinVar aggregate classification (germline): Uncertain significance (0 of 4 stars; one submission).

Conditions:
RERE-related disorder. Also called: RERE-Related Disorders; RERE-related condition. Identifiers: MedGen CN381537.

Submission:

PreventionGenetics, part of Exact Sciences
Classification: Uncertain significance for RERE-related condition. Last evaluated: 2024-02-24. Review status: no assertion criteria provided. Collection method: clinical testing. Allele origin: germline.
Comment: The RERE c.3095C>T variant is predicted to result in the amino acid substitution p.Pro1032Leu. To our knowledge, this variant has not been reported in the literature or in a large population database, indicating this variant is rare. At this time, the clinical significance of this variant is uncertain due to the absence of conclusive functional and genetic evidence.